The following is an entry in ClinVar:

NM_001082971.2(DDC):c.1385G>C (p.Arg462Pro)

Gene: DDC (dopa decarboxylase; minus strand). Cytogenetic location: 7p12.2.
Variant type: single nucleotide variant.
Coding change: c.1385G>C on transcript NM_001082971.2 (MANE Select); coding-DNA position 1385, G replaced by C.
Protein change: p.Arg462Pro; replaces arginine 462 with proline.
Molecular consequence: missense variant.
Genome position (GRCh38, 1-based): chr7:50,463,289, C>G on the plus strand (G>C on the coding strand, the complement: DDC is on the minus strand). VCF-style: chr7-50463289-C-G. GRCh37 (hg19) VCF-style: chr7-50530987-C-G.
Other names: c.1385G>C, p.Arg462Pro (NM_000790.4); c.1271G>C, p.Arg424Pro (NM_001242886.2); c.1241G>C, p.Arg414Pro (NM_001242887.2); c.1151G>C, p.Arg384Pro (NM_001242888.2); c.1106G>C, p.Arg369Pro (NM_001242889.2); short protein forms R384P, R414P, R462P, R369P, R424P.
Identifiers: ClinVar variation 2136536 (VCV002136536.4), dbSNP rs11575542, ClinGen allele CA367527458.

ClinVar aggregate classification (germline): Pathogenic (1 of 4 stars; one submission).

Conditions:
Deficiency of aromatic-L-amino-acid decarboxylase. Also called: Aromatic amino acid decarboxylase deficiency; AADC DEFICIENCY; DDC DEFICIENCY; DOPA DECARBOXYLASE DEFICIENCY; Aromatic L-Amino Acid Decarboxylase Deficiency. Identifiers: Orphanet 35708, MedGen C1291564, MONDO:0012084, OMIM 608643.

gnomAD v4.1: 1 of 1,614,064 alleles (0.000062%); highest among the groups gnomAD compares: Non-Finnish European, 0.000085%; no homozygotes.

Submission:

Labcorp Genetics (formerly Invitae), Labcorp
Classification: Pathogenic for Deficiency of aromatic-L-amino-acid decarboxylase. Last evaluated: 2022-10-29. Review status: criteria provided, single submitter. Criteria: Invitae Variant Classification Sherloc (09022015). Collection method: clinical testing. Allele origin: germline.
Comment: This sequence change replaces arginine, which is basic and polar, with proline, which is neutral and non-polar, at codon 462 of the DDC protein (p.Arg462Pro). This variant is not present in population databases (gnomAD no frequency). This missense change has been observed in individual(s) with aromatic L-amino acid decarboxylase deficiency (PMID: 17240182, 24037885). Advanced modeling of protein sequence and biophysical properties (such as structural, functional, and spatial information, amino acid conservation, physicochemical variation, residue mobility, and thermodynamic stability) performed at Invitae indicates that this missense variant is not expected to disrupt DDC protein function. Experimental studies have shown that this missense change affects DDC function (PMID: 24865461). For these reasons, this variant has been classified as Pathogenic.

Literature cited by the submitters: PubMed 17240182; PubMed 24037885; PubMed 24865461.